The following is an entry in ClinVar:

NM_000548.5(TSC2):c.2788A>T (p.Lys930Ter)

Gene: TSC2 (TSC complex subunit 2; plus strand). Cytogenetic location: 16p13.3.
Variant type: single nucleotide variant.
Coding change: c.2788A>T on transcript NM_000548.5 (MANE Select); coding-DNA position 2788, A replaced by T.
Protein change: p.Lys930Ter; replaces lysine 930 with a stop codon.
Molecular consequence: nonsense. On other transcripts: non-coding transcript variant (5).
Genome position (GRCh38, 1-based): chr16:2,076,536, A>T. VCF-style: chr16-2076536-A-T. GRCh37 (hg19) VCF-style: chr16-2126537-A-T.
Other names: c.2788A>T, p.Lys930Ter (NM_001077183.3, NM_001114382.3, NM_021055.3 and 6 more transcripts); c.2677A>T, p.Lys893Ter (NM_001318827.2, NM_001406670.1, NM_001406678.1); c.2641A>T, p.Lys881Ter (NM_001318829.2, NM_001406675.1, NM_001406676.1 and 1 more transcripts); c.2776A>T, p.Lys926Ter (NM_001406671.1, NM_001406673.1); c.2731A>T, p.Lys911Ter (NM_001406677.1); c.2188A>T, p.Lys730Ter (NM_001406680.1, NM_001318831.2, NM_001406682.1 and 6 more transcripts); c.1444A>T, p.Lys482Ter (NM_001406691.1, NM_001406692.1, NM_001406693.1 and 6 more transcripts); c.1186A>T, p.Lys396Ter (NM_001406698.1); and 3 more; short protein forms K396*, K482*, K730*, K776*, K881*, K893*, K911*, K926*.
Identifiers: ClinVar variation 5042614 (VCV005042614.1).

ClinVar aggregate classification (germline): Pathogenic (1 of 4 stars; one submission).

Conditions:
Tuberous sclerosis syndrome (TSC). Also called: Tuberous sclerosis; Tuberous Sclerosis Complex. Identifiers: Orphanet 805, MedGen C0041341, MONDO:0001734.

Submission:

Hema, HEMA – Genetic and Molecular Diagnostic Laboratory
Classification: Pathogenic for Tuberous sclerosis syndrome. Last evaluated: 2024-01-18. Review status: criteria provided, single submitter. Criteria: HEMA Variant Classification Assertion Criteria. Collection method: clinical testing. Allele origin: germline.
Comment: The c.2788A>T variant is a transversion from adenine to thymine that results in a premature stop codon at position 930 of the reading frame. PVS1: Null variant (nonsense) in a gene for which loss of function is a known disease mechanism. The c.2788A>T variant in the TSC2 gene is a nonsense variant that results in a premature stop codon in exon 25/42, which is predicted to lead to nonsense-mediated decay (NMD) of the transcript. PM2_Supporting: Absent in gnomAD. PP4_Moderate: The proband presents with a specific phenotype of tuberous sclerosis and no relevant variants have been found in TSC1.